The following is an entry in ClinVar:

ClinVar aggregate classification (germline): Benign/Likely benign. Review status: criteria provided, multiple submitters, no conflicts (2 of 4 stars). 3 submissions from 3 submitters: Benign (1); Likely benign (2). Last evaluated 2026-05-21.

Conditions:
Neurofibromatosis, type 1 (NF1). Also called: VON RECKLINGHAUSEN DISEASE; NEUROFIBROMATOSIS, TYPE I, SOMATIC; Peripheral type neurofibromatosis; Neurofibromatosis, type I. Identifiers: Orphanet 636, MedGen C0027831, MONDO:0018975, OMIM 162200. Disease mechanism: loss of function.
Hereditary cancer-predisposing syndrome. Also called: Neoplastic Syndromes, Hereditary; Tumor predisposition; Hereditary Cancer Syndrome; Hereditary neoplastic syndrome. Identifiers: Orphanet 140162, MedGen C0027672, MeSH D009386, MONDO:0015356.
Cardiovascular phenotype. Identifiers: MedGen CN230736.

Submissions (3):

Myriad Genetics, Inc.
Classification: Benign for Neurofibromatosis, type 1. Last evaluated: 2026-05-21. Review status: criteria provided, single submitter. Criteria: Myriad Autosomal Dominant, Autosomal Recessive and X-Linked Classification Criteria (2023). Collection method: clinical testing. Allele origin: unknown.
Comment: This variant is considered benign. This variant is a silent/synonymous amino acid change and it is not expected to impact splicing.

Labcorp Genetics (formerly Invitae), Labcorp
Classification: Likely benign for Neurofibromatosis, type 1. Last evaluated: 2024-12-22. Review status: criteria provided, single submitter. Criteria: Invitae Variant Classification Sherloc (09022015). Collection method: clinical testing. Allele origin: germline.

Ambry Genetics
Classification: Likely benign for Cardiovascular phenotype; Hereditary cancer-predisposing syndrome. Last evaluated: 2023-09-11. Review status: criteria provided, single submitter. Criteria: Ambry Variant Classification Scheme 2023. Collection method: clinical testing. Allele origin: germline.

NM_001042492.3(NF1):c.7002T>A (p.Gly2334=)

Gene: NF1 (neurofibromin 1; plus strand). Cytogenetic location: 17q11.2.
Variant type: single nucleotide variant.
Coding change: c.7002T>A on transcript NM_001042492.3 (MANE Select); coding-DNA position 7002, T replaced by A.
Protein change: p.Gly2334=; no amino-acid change (glycine 2334 retained).
Molecular consequence: synonymous variant.
Genome position (GRCh38, 1-based): chr17:31,340,585, T>A. VCF-style: chr17-31340585-T-A. GRCh37 (hg19) VCF-style: chr17-29667603-T-A.
Other names: c.6939T>A, p.Gly2313= (NM_000267.4).
Identifiers: ClinVar variation 3237908 (VCV003237908.4), dbSNP rs2151561786.
Genomic context (GRCh38, chr17:31,340,585, plus strand): 5'-CCTCTTTTGGGTAGCTGTGGCTGTGCTGCAGCTTGATGAGGTCAACTTGTATTCAGCAGG[T>A]ACCGCACTTCTTGAACAAAACCTGCATACTTTAGATAGTCTCCGTATATTCAATGACAAG-3'
Protein context (NP_001035957.1, residues 2324-2344): QLDEVNLYSA[Gly2334=]TALLEQNLHT